The following is an entry in ClinVar:

ClinVar aggregate classification (germline): Pathogenic (1 of 4 stars; one submission).

Submission:

Labcorp Genetics (formerly Invitae), Labcorp
Classification: Pathogenic. Last evaluated: 2025-01-06. Review status: criteria provided, single submitter. Criteria: Invitae Variant Classification Sherloc (09022015). Collection method: clinical testing. Allele origin: germline.
Comment: This sequence change creates a premature translational stop signal (p.Ser932Leufs*23) in the TUBGCP6 gene. It is expected to result in an absent or disrupted protein product. Loss-of-function variants in TUBGCP6 are known to be pathogenic (PMID: 25344692). The frequency data for this variant in the population databases is considered unreliable, as metrics indicate poor data quality at this position in the gnomAD database. This variant has not been reported in the literature in individuals affected with TUBGCP6-related conditions. ClinVar contains an entry for this variant (Variation ID: 934396). For these reasons, this variant has been classified as Pathogenic.

Literature cited by the submitters: PubMed 25344692.

NM_020461.4(TUBGCP6):c.2793dup (p.Ser932fs)

Gene: TUBGCP6 (tubulin gamma complex component 6; minus strand). Cytogenetic location: 22q13.33.
Variant type: Duplication.
Coding change: c.2793dup on transcript NM_020461.4 (MANE Select); coding-DNA position 2793, one base duplicated (C; older notation c.2793dupC).
Protein change: p.Ser932fs; shifts the reading frame from serine 932.
Molecular consequence: frameshift variant.
Genome position (GRCh38, 1-based): chr22:50,221,566, G duplicated on the plus strand (C on the coding strand, the reverse complement: TUBGCP6 is on the minus strand); the first of 6 consecutive G bases (chr22:50,221,566-50,221,571); duplicating any one gives the same sequence. VCF-style (leftmost placement, unchanged base first): chr22-50221565-A-AG. GRCh37 (hg19) VCF-style: chr22-50659994-A-AG.
Other names: short protein forms S932fs.
Identifiers: ClinVar variation 934396 (VCV000934396.7), dbSNP rs1299462712, ClinGen allele CA640353799.